The following is an entry in ClinVar:

ClinVar aggregate classification (germline): Uncertain significance (1 of 4 stars; one submission).

gnomAD v4.1: 1 of 1,572,718 alleles (0.000064%); highest among the groups gnomAD compares: Non-Finnish European, 0.000086%; no homozygotes.

Submission:

Labcorp Genetics (formerly Invitae), Labcorp
Classification: Uncertain significance. Last evaluated: 2024-01-15. Review status: criteria provided, single submitter. Criteria: Invitae Variant Classification Sherloc (09022015). Collection method: clinical testing. Allele origin: germline.
Comment: This sequence change falls in intron 79 of the ADGRV1 gene. It does not directly change the encoded amino acid sequence of the ADGRV1 protein. It affects a nucleotide within the consensus splice site. This variant is not present in population databases (gnomAD no frequency). This variant has not been reported in the literature in individuals affected with ADGRV1-related conditions. ClinVar contains an entry for this variant (Variation ID: 1019091). Variants that disrupt the consensus splice site are a relatively common cause of aberrant splicing (PMID: 17576681, 9536098). Algorithms developed to predict the effect of sequence changes on RNA splicing suggest that this variant may disrupt the consensus splice site. In summary, the available evidence is currently insufficient to determine the role of this variant in disease. Therefore, it has been classified as a Variant of Uncertain Significance.

Literature cited by the submitters: PubMed 17576681; PubMed 9536098.

NM_032119.4(ADGRV1):c.17204+5G>A

Gene: ADGRV1 (adhesion G protein-coupled receptor V1; plus strand). Cytogenetic location: 5q14.3.
Variant type: single nucleotide variant.
Coding change: c.17204+5G>A on transcript NM_032119.4 (MANE Select); 5 bases into the intron after coding-DNA position 17204, G replaced by A.
Molecular consequence: intron variant.
Genome position (GRCh38, 1-based): chr5:90,848,826, G>A. VCF-style: chr5-90848826-G-A. GRCh37 (hg19) VCF-style: chr5-90144643-G-A.
Identifiers: ClinVar variation 1019091 (VCV001019091.4), dbSNP rs768725683, ClinGen allele CA1562926352.
Genomic context (GRCh38, chr5:90,848,826, plus strand): 5'-GAGAATTTTGCCTTTTCTCTGCTGACTAATGTTACTTGCGGCTCTCCTGGTGAAAAGTAA[G>A]TATCTTTTAATATATTAGCAGTACCTTTTATGCATTTTTTTCACTGTTTACAAAGCAATA-3'